The following is an entry in ClinVar:

NM_004168.4(SDHA):c.1935C>G (p.Ile645Met)

Gene: SDHA (succinate dehydrogenase complex flavoprotein subunit A; plus strand). Cytogenetic location: 5p15.33.
Variant type: single nucleotide variant.
Coding change: c.1935C>G on transcript NM_004168.4 (MANE Select); coding-DNA position 1935, C replaced by G.
Protein change: p.Ile645Met; replaces isoleucine 645 with methionine.
Molecular consequence: missense variant.
Genome position (GRCh38, 1-based): chr5:256,360, C>G. VCF-style: chr5-256360-C-G. GRCh37 (hg19) VCF-style: chr5-256475-C-G.
Other names: c.1791C>G, p.Ile597Met (NM_001294332.2); c.1692C>G, p.Ile564Met (NM_001330758.2); short protein forms I645M, I564M, I597M.
Identifiers: ClinVar variation 572164 (VCV000572164.12), dbSNP rs762128553, ClinGen allele CA3173465.

ClinVar aggregate classification (germline): Uncertain significance. Review status: criteria provided, multiple submitters, no conflicts (2 of 4 stars). 2 submissions from 2 submitters: Uncertain significance (2). Last evaluated 2025-11-09.

Conditions:
Mitochondrial complex II deficiency, nuclear type 1. Also called: SUCCINATE CoQ REDUCTASE DEFICIENCY. Identifiers: Orphanet 3208, MedGen C5700310, MONDO:0100294, OMIM 252011.
Pheochromocytoma/paraganglioma syndrome 5. Also called: Paragangliomas 5; SDHA-Related Hereditary Paraganglioma-Pheochromocytoma Syndrome. Identifiers: Orphanet 29072, MedGen C3279992, MONDO:0013602, OMIM 614165.
Hereditary cancer-predisposing syndrome. Also called: Neoplastic Syndromes, Hereditary; Tumor predisposition; Hereditary neoplastic syndrome; Hereditary Cancer Syndrome. Identifiers: Orphanet 140162, MedGen C0027672, MeSH D009386, MONDO:0015356.

Allele frequency attached by ClinVar (database versions not stated): gnomAD 0.00003.
gnomAD v4.1: 5 of 1,613,658 alleles (0.00031%); highest among the groups gnomAD compares: African/African-American, 0.004%; no homozygotes.

Submissions (2):

Labcorp Genetics (formerly Invitae), Labcorp
Classification: Uncertain significance for Pheochromocytoma/paraganglioma syndrome 5; Mitochondrial complex II deficiency, nuclear type 1. Last evaluated: 2025-11-09. Review status: criteria provided, single submitter. Criteria: Invitae Variant Classification Sherloc (09022015). Collection method: clinical testing. Allele origin: germline.
Comment: This sequence change replaces isoleucine, which is neutral and non-polar, with methionine, which is neutral and non-polar, at codon 645 of the SDHA protein (p.Ile645Met). This variant is present in population databases (rs762128553, gnomAD 0.004%). This variant has not been reported in the literature in individuals affected with SDHA-related conditions. ClinVar contains an entry for this variant (Variation ID: 572164). Invitae Evidence Modeling of protein sequence and biophysical properties (such as structural, functional, and spatial information, amino acid conservation, physicochemical variation, residue mobility, and thermodynamic stability) indicates that this missense variant is not expected to disrupt SDHA protein function with a negative predictive value of 95%. In summary, the available evidence is currently insufficient to determine the role of this variant in disease. Therefore, it has been classified as a Variant of Uncertain Significance.

Ambry Genetics
Classification: Uncertain significance for Hereditary cancer-predisposing syndrome. Last evaluated: 2025-05-10. Review status: criteria provided, single submitter. Criteria: Ambry Variant Classification Scheme 2023. Collection method: clinical testing. Allele origin: germline.
Comment: The p.I645M variant (also known as c.1935C>G), located in coding exon 15 of the SDHA gene, results from a C to G substitution at nucleotide position 1935. The isoleucine at codon 645 is replaced by methionine, an amino acid with highly similar properties. This amino acid position is conserved. In addition, the in silico prediction for this alteration is inconclusive. Since supporting evidence is limited at this time, the clinical significance of this alteration remains unclear.